The following is an entry in ClinVar:

NM_021956.5(GRIK2):c.1559C>T (p.Thr520Ile)

Gene: GRIK2 (glutamate ionotropic receptor kainate type subunit 2; plus strand). Cytogenetic location: 6q16.3.
Variant type: single nucleotide variant.
Coding change: c.1559C>T on transcript NM_021956.5 (MANE Select); coding-DNA position 1559, C replaced by T.
Protein change: p.Thr520Ile; replaces threonine 520 with isoleucine.
Molecular consequence: missense variant.
Genome position (GRCh38, 1-based): chr6:101,889,674, C>T. VCF-style: chr6-101889674-C-T. GRCh37 (hg19) VCF-style: chr6-102337549-C-T.
Other names: c.1559C>T, p.Thr520Ile (NM_001166247.1, NM_175768.3); short protein forms T520I.
Identifiers: ClinVar variation 2662611 (VCV002662611.1), dbSNP rs2484644709, ClinGen allele CA365309330.

ClinVar aggregate classification (germline): Uncertain significance (1 of 4 stars; one submission).

Submission:

GeneDx
Classification: Uncertain significance. Last evaluated: 2023-04-18. Review status: criteria provided, single submitter. Criteria: GeneDx Variant Classification Process June 2021. Collection method: clinical testing. Allele origin: germline. Affected: yes.
Comment: Not observed at significant frequency in large population cohorts (gnomAD); In silico analysis supports that this missense variant has a deleterious effect on protein structure/function; Has not been previously published as pathogenic or benign to our knowledge